The following is an entry in ClinVar:

NM_001204.7(BMPR2):c.121C>T (p.Gln41Ter)

Gene: BMPR2 (bone morphogenetic protein receptor type 2; plus strand). Cytogenetic location: 2q33.1.
Variant type: single nucleotide variant.
Coding change: c.121C>T on transcript NM_001204.7 (MANE Select); coding-DNA position 121, C replaced by T.
Protein change: p.Gln41Ter; replaces glutamine 41 with a stop codon.
Molecular consequence: nonsense.
Genome position (GRCh38, 1-based): chr2:202,464,853, C>T. VCF-style: chr2-202464853-C-T. GRCh37 (hg19) VCF-style: chr2-203329576-C-T.
Other names: short protein forms Q41*.
Identifiers: ClinVar variation 3661781 (VCV003661781.2).

ClinVar aggregate classification (germline): Pathogenic (1 of 4 stars; one submission).

Conditions:
Primary pulmonary hypertension. Also called: Idiopathic pulmonary hypertension. Identifiers: MedGen C0152171.

Submission:

Labcorp Genetics (formerly Invitae), Labcorp
Classification: Pathogenic for Primary pulmonary hypertension. Last evaluated: 2024-08-08. Review status: criteria provided, single submitter. Criteria: Invitae Variant Classification Sherloc (09022015). Collection method: clinical testing. Allele origin: germline.
Comment: This sequence change creates a premature translational stop signal (p.Gln41*) in the BMPR2 gene. It is expected to result in an absent or disrupted protein product. Loss-of-function variants in BMPR2 are known to be pathogenic (PMID: 16429395). This variant is not present in population databases (gnomAD no frequency). This variant has not been reported in the literature in individuals affected with BMPR2-related conditions. For these reasons, this variant has been classified as Pathogenic.

Literature cited by the submitters: PubMed 16429395.